The following is an entry in ClinVar:

ClinVar aggregate classification (germline): Likely benign (1 of 4 stars; one submission).

Submission:

CeGaT Center for Human Genetics Tuebingen
Classification: Likely benign. Last evaluated: 2026-04-01. Review status: criteria provided, single submitter. Criteria: CeGaT Center For Human Genetics Tuebingen Variant Classification Criteria Version 2. Collection method: clinical testing. Allele origin: germline. Affected: yes. Observed: 2 variant alleles.
Comment: BIN1: PM2:Supporting, BP4, BP7

NM_139343.3(BIN1):c.1014C>A (p.Gly338=)

Gene: BIN1 (bridging integrator 1; minus strand). Cytogenetic location: 2q14.3.
Variant type: single nucleotide variant.
Coding change: c.1014C>A on transcript NM_139343.3 (MANE Select); coding-DNA position 1014, C replaced by A.
Protein change: p.Gly338=; no amino-acid change (glycine 338 retained).
Molecular consequence: synonymous variant. On other transcripts: intron variant (9).
Genome position (GRCh38, 1-based): chr2:127,057,590, G>T on the plus strand (C>A on the coding strand, the complement: BIN1 is on the minus strand). VCF-style: chr2-127057590-G-T. GRCh37 (hg19) VCF-style: chr2-127815166-G-T.
Other names: c.1014C>A, p.Gly338= (NM_001320640.2); c.921C>A, p.Gly307= (NM_001320641.2, NM_139347.3, NM_139348.3); c.933C>A, p.Gly311= (NM_001320642.1); c.966C>A, p.Gly322= (NM_139346.3); c.837+1421C>A (NM_001320634.1); c.909+1421C>A (NM_139351.3, NM_139350.3, NM_139349.3); c.954+1421C>A (NM_001320632.2, NM_004305.4); c.1002+1421C>A (NM_001320633.2, NM_139345.3, NM_139344.3).
Identifiers: ClinVar variation 4874313 (VCV004874313.2).